The following is an entry in ClinVar:

NM_182493.3(MYLK3):c.2020G>A (p.Gly674Ser)

Gene: MYLK3 (myosin light chain kinase 3; minus strand). Cytogenetic location: 16q11.2.
Variant type: single nucleotide variant.
Coding change: c.2020G>A on transcript NM_182493.3 (MANE Select); coding-DNA position 2020, G replaced by A.
Protein change: p.Gly674Ser; replaces glycine 674 with serine.
Molecular consequence: missense variant.
Genome position (GRCh38, 1-based): chr16:46,712,742, C>T on the plus strand (G>A on the coding strand, the complement: MYLK3 is on the minus strand). VCF-style: chr16-46712742-C-T. GRCh37 (hg19) VCF-style: chr16-46746654-C-T.
Other names: c.997G>A, p.Gly333Ser (NM_001308301.1); short protein forms G333S, G674S.
Identifiers: ClinVar variation 1952720 (VCV001952720.5), dbSNP rs1966696880, ClinGen allele CA395787942.

ClinVar aggregate classification (germline): Uncertain significance (1 of 4 stars; one submission).

Allele frequency attached by ClinVar (database versions not stated): gnomAD exomes below 0.00001; TOPMed below 0.00001.

Submission:

Labcorp Genetics (formerly Invitae), Labcorp
Classification: Uncertain significance. Last evaluated: 2025-11-09. Review status: criteria provided, single submitter. Criteria: Invitae Variant Classification Sherloc (09022015). Collection method: clinical testing. Allele origin: germline.
Comment: This sequence change replaces glycine, which is neutral and non-polar, with serine, which is neutral and polar, at codon 674 of the MYLK3 protein (p.Gly674Ser). This variant is not present in population databases (gnomAD no frequency). This variant has not been reported in the literature in individuals affected with MYLK3-related conditions. ClinVar contains an entry for this variant (Variation ID: 1952720). An algorithm developed to predict the effect of missense changes on protein structure and function (PolyPhen-2) suggests that this variant is likely to be disruptive. In summary, the available evidence is currently insufficient to determine the role of this variant in disease. Therefore, it has been classified as a Variant of Uncertain Significance.